The following is an entry in ClinVar:

ClinVar aggregate classification (germline): Uncertain significance (1 of 4 stars; one submission).

Conditions:
Cardiovascular phenotype. Identifiers: MedGen CN230736.

gnomAD v4.1: 2 of 1,613,714 alleles (0.00012%); highest among the groups gnomAD compares: Non-Finnish European, 0.00017%; no homozygotes.

Submission:

Ambry Genetics
Classification: Uncertain significance for Cardiovascular phenotype. Last evaluated: 2025-05-24. Review status: criteria provided, single submitter. Criteria: Ambry Variant Classification Scheme 2023. Collection method: clinical testing. Allele origin: germline.
Comment: The p.R257T variant (also known as c.770G>C), located in coding exon 8 of the CACNB2 gene, results from a G to C substitution at nucleotide position 770. The arginine at codon 257 is replaced by threonine, an amino acid with similar properties. This amino acid position is conserved. In addition, this alteration is predicted to be deleterious by in silico analysis. Based on the available evidence, the clinical significance of this variant remains unclear.

NM_201596.3(CACNB2):c.932G>C (p.Arg311Thr)

Gene: CACNB2 (calcium voltage-gated channel auxiliary subunit beta 2; plus strand). Cytogenetic location: 10p12.31.
Variant type: single nucleotide variant.
Coding change: c.932G>C on transcript NM_201596.3 (MANE Select); coding-DNA position 932, G replaced by C.
Protein change: p.Arg311Thr; replaces arginine 311 with threonine.
Molecular consequence: missense variant.
Genome position (GRCh38, 1-based): chr10:18,518,956, G>C. VCF-style: chr10-18518956-G-C. GRCh37 (hg19) VCF-style: chr10-18807885-G-C.
Other names: c.767G>C, p.Arg256Thr (NM_000724.4); c.734G>C, p.Arg245Thr (NM_001167945.2); c.653G>C, p.Arg218Thr (NM_001330060.2); c.674G>C, p.Arg225Thr (NM_001410882.1); c.788G>C, p.Arg263Thr (NM_201570.3); c.848G>C, p.Arg283Thr (NM_201571.4); c.776G>C, p.Arg259Thr (NM_201572.4); c.770G>C, p.Arg257Thr (NM_201590.3); and 2 more; short protein forms R273T, R287T, R245T, R259T, R257T, R311T, R218T, R225T.
Identifiers: ClinVar variation 3994602 (VCV003994602.1).